The following is an entry in ClinVar:

NM_003482.4(KMT2D):c.15458G>A (p.Arg5153Gln)

Gene: KMT2D (lysine methyltransferase 2D; minus strand). Cytogenetic location: 12q13.12.
Variant type: single nucleotide variant.
Coding change: c.15458G>A on transcript NM_003482.4 (MANE Select); coding-DNA position 15458, G replaced by A.
Protein change: p.Arg5153Gln; replaces arginine 5153 with glutamine.
Molecular consequence: missense variant.
Genome position (GRCh38, 1-based): chr12:49,026,508, C>T on the plus strand (G>A on the coding strand, the complement: KMT2D is on the minus strand). VCF-style: chr12-49026508-C-T. GRCh37 (hg19) VCF-style: chr12-49420291-C-T.
Other names: short protein forms R5153Q.
Identifiers: ClinVar variation 2631400 (VCV002631400.19), dbSNP rs773972943, ClinGen allele CA6545564.

ClinVar aggregate classification (germline): Conflicting classifications of pathogenicity. Review status: criteria provided, conflicting classifications (1 of 4 stars). 2 submissions from 2 submitters: Likely pathogenic (1); Uncertain significance (1). Last evaluated 2024-06-01.

Conditions:
KMT2D-related disorder. Also called: KMT2D-Related Disorders.

Allele frequency attached by ClinVar (database versions not stated): gnomAD exomes below 0.00001; ExAC 0.00001.
gnomAD v4.1: 3 of 1,613,900 alleles (0.00019%); highest among the groups gnomAD compares: Non-Finnish European, 0.00025%; no homozygotes.

Submissions (2):

CeGaT Center for Human Genetics Tuebingen
Classification: Uncertain significance. Last evaluated: 2024-06-01. Review status: criteria provided, single submitter. Criteria: CeGaT Center For Human Genetics Tuebingen Variant Classification Criteria Version 2. Collection method: clinical testing. Allele origin: germline. Affected: yes. Observed: 1 variant allele.
Comment: KMT2D: PM2, PS2:Moderate, PS4:Supporting

PreventionGenetics, part of Exact Sciences
Classification: Likely pathogenic for KMT2D-related condition. Last evaluated: 2023-09-11. Review status: criteria provided, single submitter. Criteria: ACMG Guidelines, 2015. Collection method: clinical testing. Allele origin: germline.
Comment: The KMT2D c.15458G>A variant is predicted to result in the amino acid substitution p.Arg5153Gln. This variant was reported as occurring de novo in a single individual in a study of clinical exome reanalysis, although clinical features were not provided (Baker. 2019. PubMed ID: 30577886). This variant is reported in 0.00090% of alleles in individuals of European (Non-Finnish) descent in gnomAD. This variant is interpreted as likely pathogenic.